The following is an entry in ClinVar:

ClinVar aggregate classification (germline): Uncertain significance. Review status: criteria provided, multiple submitters, no conflicts (2 of 4 stars). 2 submissions from 2 submitters: Uncertain significance (2). Last evaluated 2025-11-08.

Conditions:
Autosomal recessive limb-girdle muscular dystrophy type 2Y (MRRSDC). Also called: Muscular dystrophy, limb-girdle, type 2y; Muscular dystrophy, autosomal recessive, with rigid spine and distal joint contractures. Identifiers: Orphanet 424261, MedGen C4511482, MONDO:0014900, OMIM 617072.
Inborn genetic diseases. Identifiers: MedGen C0950123, MeSH D030342.

Allele frequency attached by ClinVar (database versions not stated): gnomAD exomes 0.00002 and 0.00011; TOPMed 0.00005; gnomAD 0.00009 and 0.00006; 1000 Genomes Project 30x 0.00062; ExAC 0.00011; 1000 Genomes Project 0.00060.
gnomAD v4.1: 41 of 1,611,924 alleles (0.0025%); highest among the groups gnomAD compares: East Asian, 0.078%; no homozygotes.

Submissions (2):

Ambry Genetics
Classification: Uncertain significance for Inborn genetic diseases. Last evaluated: 2025-11-08. Review status: criteria provided, single submitter. Criteria: Ambry Variant Classification Scheme 2023. Collection method: clinical testing. Allele origin: germline.

Labcorp Genetics (formerly Invitae), Labcorp
Classification: Uncertain significance for Autosomal recessive limb-girdle muscular dystrophy type 2Y. Last evaluated: 2024-08-13. Review status: criteria provided, single submitter. Criteria: Invitae Variant Classification Sherloc (09022015). Collection method: clinical testing. Allele origin: germline.
Comment: This sequence change replaces histidine, which is basic and polar, with tyrosine, which is neutral and polar, at codon 155 of the TOR1AIP1 protein (p.His155Tyr). This variant is present in population databases (rs540366779, gnomAD 0.1%). This variant has not been reported in the literature in individuals affected with TOR1AIP1-related conditions. ClinVar contains an entry for this variant (Variation ID: 542849). Advanced modeling of protein sequence and biophysical properties (such as structural, functional, and spatial information, amino acid conservation, physicochemical variation, residue mobility, and thermodynamic stability) performed at Invitae indicates that this missense variant is not expected to disrupt TOR1AIP1 protein function with a negative predictive value of 80%. In summary, the available evidence is currently insufficient to determine the role of this variant in disease. Therefore, it has been classified as a Variant of Uncertain Significance.

NM_015602.4(TOR1AIP1):c.463C>T (p.His155Tyr)

Genes: TOR1AIP1 (torsin 1A interacting protein 1; plus strand), LOC112577517 (Sharpr-MPRA regulatory region 13766; plus strand). Cytogenetic location: 1q25.2.
Variant type: single nucleotide variant.
Coding change: c.463C>T on transcript NM_015602.4 (MANE Select); coding-DNA position 463, C replaced by T.
Protein change: p.His155Tyr; replaces histidine 155 with tyrosine.
Molecular consequence: missense variant.
Genome position (GRCh38, 1-based): chr1:179,882,965, C>T. VCF-style: chr1-179882965-C-T. GRCh37 (hg19) VCF-style: chr1-179852100-C-T.
Other names: c.463C>T, p.His155Tyr (NM_001267578.2); c.463C>T (NM_015602.2); short protein forms H155Y.
Identifiers: ClinVar variation 542849 (VCV000542849.7), dbSNP rs540366779, ClinGen allele CA1268763.